The following is an entry in ClinVar:

NM_014625.4(NPHS2):c.871C>T (p.Arg291Trp)

Genes: AXDND1 (axonemal dynein light chain domain containing 1; plus strand), NPHS2 (NPHS2 stomatin family member, podocin; minus strand). Cytogenetic location: 1q25.2.
Variant type: single nucleotide variant.
Coding change: c.871C>T on transcript NM_014625.4 (MANE Select); coding-DNA position 871, C replaced by T.
Protein change: p.Arg291Trp; replaces arginine 291 with tryptophan.
Molecular consequence: missense variant. On other transcripts: intron variant (1).
Genome position (GRCh38, 1-based): chr1:179,552,605, G>A on the plus strand (C>T on the coding strand, the complement: NPHS2 is on the minus strand). VCF-style: chr1-179552605-G-A. GRCh37 (hg19) VCF-style: chr1-179521740-G-A.
Other names: c.667C>T, p.Arg223Trp (NM_001297575.2); c.3032-1907G>A (NM_144696.6); short protein forms R291W, R223W.
Identifiers: ClinVar variation 5369 (VCV000005369.28), dbSNP rs74315348, ClinGen allele CA117460.

ClinVar aggregate classification (germline): Pathogenic/Likely pathogenic. Review status: criteria provided, multiple submitters, no conflicts (2 of 4 stars). 17 submissions from 17 submitters: Pathogenic (11); Likely pathogenic (2). 4 of the submissions do not count toward it. Last evaluated 2025-10-15.

Conditions:
Inborn genetic diseases. Identifiers: MedGen C0950123, MeSH D030342.
Nephrotic syndrome, type 2 (NPHS2). Also called: NEPHROTIC SYNDROME, STEROID-RESISTANT, AUTOSOMAL RECESSIVE. Identifiers: Orphanet 656, MedGen C1868672, MONDO:0010974, OMIM 600995.
Steroid-resistant nephrotic syndrome. Identifiers: MedGen C0403397, MONDO:0044765, HP:0012588.

Allele frequency attached by ClinVar (database versions not stated): ExAC 0.00002; gnomAD 0.00001; TOPMed 0.00001; 1000 Genomes Project 0.00020; 1000 Genomes Project 30x 0.00016.
gnomAD v4.1: 13 of 1,612,918 alleles (0.00081%); highest among the groups gnomAD compares: East Asian, 0.016%; no homozygotes.

Submissions 1 to 12 of 17:

Mayo Clinic Laboratories, Mayo Clinic
Classification: Pathogenic. Last evaluated: 2025-10-15. Review status: criteria provided, single submitter. Criteria: ACMG Guidelines, 2015. Collection method: clinical testing. Allele origin: germline. Observed: 1 variant allele.
Comment: PP1_moderate, PP3, PP4, PM2_supporting, PM3_very_strong, PS3_supporting

Natera, Inc.
Classification: Pathogenic for Steroid-resistant nephrotic syndrome. Last evaluated: 2025-10-07. Review status: criteria provided, single submitter. Criteria: Natera Variant Classification Schema (03/2026). Collection method: clinical testing. Allele origin: germline.
Comment: The c.871C>T variant in NPHS2 is a missense variant predicted to cause substitution of arginine to tryptophan at amino acid 291. This variant is rare in the general population with a frequency below the threshold expected for the associated phenotype(s). This variant has been observed in one or more individuals affected with the associated recessive disease, as either homozygous or compound heterozygous with a second variant (PMID: 14978175). Additionally, this variant has been observed to segregate in affected family members (PMID: 14978175). Given the available evidence, this variant is classified as Pathogenic.

Precision Medicine Center, Zhengzhou University
Classification: Likely pathogenic for Nephrotic syndrome, type 2. Last evaluated: 2024-09-01. Review status: criteria provided, single submitter. Criteria: ACMG Guidelines, 2015. Collection method: clinical testing. Allele origin: paternal. Inheritance: Autosomal recessive inheritance. Affected: yes.
Comment: PM2_supporting,PM3,PS3

Laboratory of Medical Genetics, National & Kapodistrian University of Athens
Classification: Pathogenic for Nephrotic syndrome, type 2. Last evaluated: 2024-04-15. Review status: criteria provided, single submitter. Criteria: ACMG Guidelines, 2015. Collection method: clinical testing. Allele origin: germline. Affected: yes.
Comment: PS4, PM2, PM3, PP3, PP5- The variant has been reported in ClinVar as Pathogenic by other laboratories (Variation ID: 5369). Low frequency in gnomAD population databases. It has been previously reported as causative for steroid-resistant nephrotic syndrome (PMID: 11805166, 31308032)

Labcorp Genetics (formerly Invitae), Labcorp
Classification: Pathogenic. Last evaluated: 2024-02-24. Review status: criteria provided, single submitter. Criteria: Invitae Variant Classification Sherloc (09022015). Collection method: clinical testing. Allele origin: germline.
Comment: This sequence change replaces arginine, which is basic and polar, with tryptophan, which is neutral and slightly polar, at codon 291 of the NPHS2 protein (p.Arg291Trp). This variant is present in population databases (rs74315348, gnomAD 0.03%). This missense change has been observed in individual(s) with clinical features of steroid-resistant nephrotic syndrome (PMID: 10742096, 11805166, 12464671, 28476686, 31308032). It has been reported in trans with the variant p.Arg229Gln in related affected individuals. This suggests that the combination of p.Arg229Gln and this variant may be clinically significant. ClinVar contains an entry for this variant (Variation ID: 5369). An algorithm developed to predict the effect of missense changes on protein structure and function (PolyPhen-2) suggests that this variant is likely to be disruptive. This variant has been shown to alter NPHS2 (podocin) protein function, resulting in podocin mislocalization when in combination with p.Arg229Gln-podocin (PMID: 15327385, 18823551, 29660491). Algorithms developed to predict the effect of sequence changes on RNA splicing suggest that this variant may disrupt the consensus splice site. For these reasons, this variant has been classified as Pathogenic.

Baylor Genetics
Classification: Pathogenic for Nephrotic syndrome, type 2. Last evaluated: 2024-02-05. Review status: criteria provided, single submitter. Criteria: ACMG Guidelines, 2015. Collection method: clinical testing. Allele origin: unknown.

Molecular Genetics, Royal Melbourne Hospital
Classification: Pathogenic for Steroid-resistant nephrotic syndrome. Last evaluated: 2023-08-01. Review status: criteria provided, single submitter. Criteria: ACMG Guidelines, 2015. Collection method: clinical testing. Allele origin: germline. Inheritance: Autosomal recessive inheritance. Affected: yes.
Comment: This sequence change in NPHS2 is predicted to replace arginine with tryptophan at codon 291, p.(Arg291Trp). The arginine residue is located in the Band 7 region in the cytoplasmic domain. There is a large physicochemical difference between arginine and tryptophan. The highest population minor allele frequency in the population database gnomAD v2.1 is 0.03% (6/19,898 alleles) in the East Asian population, consistent with recessive disease. This variant has been detected in multiple individuals with steroid-resistant nephrotic syndrome, both in the homozygous state and compound heterozygous for the variant and a pathogenic variant (PMID: 15327385, 24509478, 28117080, 31027891, 33193607). The variant segregates with renal disease in multiple individuals in at least one family (PMID: 33193607). The variant demonstrates altered podocin cellular localisation and nephrin trafficking in functional assays (PMID: 15496146, 36167728). Computational evidence predicts a deleterious effect for the missense substitution (REVEL = 0.904). Based on the classification scheme RMH Modified ACMG/AMP Guidelines v1.6.1, this variant is classified as PATHOGENIC. Following criteria are met: PM3_VeryStrong, PP1_Strong, PS3_Supporting, PM2_Supporting, PP3.

Ambry Genetics
Classification: Pathogenic for Inborn genetic diseases. Last evaluated: 2023-07-06. Review status: criteria provided, single submitter. Criteria: Ambry Variant Classification Scheme 2023. Collection method: clinical testing. Allele origin: germline.
Comment: The c.871C>T (p.R291W) alteration is located in exon 7 (coding exon 7) of the NPHS2 gene. This alteration results from a C to T substitution at nucleotide position 871, causing the arginine (R) at amino acid position 291 to be replaced by a tryptophan (W). Based on data from gnomAD, the T allele has an overall frequency of 0.002% (6/281266) total alleles studied. The highest observed frequency was 0.03% (6/19898) of East Asian alleles. This variant has been confirmed in trans with a pathogenic variant in multiple individuals with clinical features of NPHS2-related nephrotic syndrome (Ottlewski, 2019; Karle, 2002) and was found to segregate with disease in a large affected family (Tsukaguchi, 2002). This amino acid position is highly conserved in available vertebrate species. Multiple functional studies demonstrated that the p.R291W alteration mislocalizes podocin and nephrin in vitro (Dorison, 2023; Roselli, 2004; Nishibori, 2004). This alteration is predicted to be deleterious by in silico analysis. Based on the available evidence, this alteration is classified as pathogenic.

Department of Pathology and Laboratory Medicine, Sinai Health System
Classification: Pathogenic for Nephrotic syndrome, type 2. Last evaluated: 2023-05-26. Review status: criteria provided, single submitter. Criteria: ACMG Guidelines, 2015. Collection method: research. Allele origin: germline.

Genome-Nilou Lab
Classification: Likely pathogenic for Nephrotic syndrome, type 2. Last evaluated: 2023-04-11. Review status: criteria provided, single submitter. Criteria: ACMG Guidelines, 2015. Collection method: clinical testing. Allele origin: germline. Affected: no.

Fulgent Genetics
Classification: Pathogenic for Nephrotic syndrome, type 2. Last evaluated: 2021-11-09. Review status: criteria provided, single submitter. Criteria: ACMG Guidelines, 2015. Collection method: clinical testing. Allele origin: unknown.

Women's Health and Genetics/Laboratory Corporation of America, LabCorp
Classification: Pathogenic for Idiopathic nephrotic syndrome. Last evaluated: 2019-04-22. Review status: criteria provided, single submitter. Criteria: LabCorp Variant Classification Summary - May 2015. Collection method: clinical testing. Allele origin: germline.
Comment: Variant summary: NPHS2 c.871C>T (p.Arg291Trp) results in a non-conservative amino acid change located in the Band 7 domain (IPR001107) of the encoded protein sequence. Five of five in-silico tools predict a damaging effect of the variant on protein function. The variant allele was found at a frequency of 2e-05 in 249882 control chromosomes. c.871C>T has been reported in the literature in compound heterozygous and homozygous genotypes with another variant p.R229Q among multiple individuals affected with Steroid Resistant Nephrotic syndrome (SRNS) (Zhang_2004, Tory_2014, Buscher_2016, Sadowski_2015, Miko_2018). These data indicate that the variant is very likely to be associated with disease. At least one publication reports experimental evidence that demonstrates that p.Arg291Trp podocin mutant localizes to the late endosomes (Roselli_2004). Three clinical diagnostic laboratories have submitted clinical-significance assessments for this variant to ClinVar after 2014 without evidence for independent evaluation. All laboratories classified the variant as pathogenic. Based on the evidence outlined above, the variant was classified as pathogenic.